The following is an entry in ClinVar:

NM_004453.4(ETFDH):c.1764T>C (p.His588=)

Gene: ETFDH (electron transfer flavoprotein dehydrogenase; plus strand). Cytogenetic location: 4q32.1.
Variant type: single nucleotide variant.
Coding change: c.1764T>C on transcript NM_004453.4 (MANE Select); coding-DNA position 1764, T replaced by C.
Protein change: p.His588=; no amino-acid change (histidine 588 retained).
Molecular consequence: synonymous variant.
Genome position (GRCh38, 1-based): chr4:158,708,437, T>C. VCF-style: chr4-158708437-T-C. GRCh37 (hg19) VCF-style: chr4-159629589-T-C.
Other names: p.His588=; c.1623T>C, p.His541= (NM_001281737.2); c.1581T>C, p.His527= (NM_001281738.1).
Identifiers: ClinVar variation 756033 (VCV000756033.13), dbSNP rs141180629, ClinGen allele CA3122719.

ClinVar aggregate classification (germline): Likely benign. Review status: criteria provided, multiple submitters, no conflicts (2 of 4 stars). 3 submissions from 3 submitters: Likely benign (3). Last evaluated 2026-01-24.

Conditions:
Multiple acyl-CoA dehydrogenase deficiency (MADD). Also called: Glutaric aciduria, type 2; Glutaric acidemia type II; GA 2; Glutaric Acidemia type 2; GA II; ETHYLMALONIC-ADIPICACIDURIA. Identifiers: Orphanet 26791, MedGen C0268596, MONDO:0009282, OMIM 231680.

Allele frequency attached by ClinVar (database versions not stated): gnomAD exomes 0.00008; gnomAD 0.00009 and 0.00010; ExAC 0.00010; TOPMed 0.00011; 1000 Genomes Project 30x 0.00016; 1000 Genomes Project 0.00020.
gnomAD v4.1: 143 of 1,611,504 alleles (0.0089%); highest among the groups gnomAD compares: South Asian, 0.013%; no homozygotes.

Submissions (3):

Labcorp Genetics (formerly Invitae), Labcorp
Classification: Likely benign for Multiple acyl-CoA dehydrogenase deficiency. Last evaluated: 2026-01-24. Review status: criteria provided, single submitter. Criteria: Invitae Variant Classification Sherloc (09022015). Collection method: clinical testing. Allele origin: germline.

Mayo Clinic Laboratories, Mayo Clinic
Classification: Likely benign. Last evaluated: 2025-02-17. Review status: criteria provided, single submitter. Criteria: ACMG Guidelines, 2015. Collection method: clinical testing. Allele origin: germline. Observed: 1 variant allele.
Comment: BP4, BP7

Blueprint Genetics
Classification: Likely benign. Last evaluated: 2024-11-15. Review status: criteria provided, single submitter. Criteria: ACMG Guidelines, 2015. Collection method: clinical testing. Allele origin: germline.